The following is an entry in ClinVar:

NM_024301.5(FKRP):c.30GGC[1] (p.Ala13del)

Gene: FKRP (fukutin related protein; plus strand). Cytogenetic location: 19q13.32.
Variant type: Microsatellite.
Coding change: c.30GGC[1] on transcript NM_024301.5 (MANE Select); one copy of the 3-base unit GGC starting at c.30; the reference has two copies in a row; one copy, 3 bases deleted.
Protein change: p.Ala13del; deletes alanine 13.
Molecular consequence: inframe deletion.
Genome position (GRCh38, 1-based): chr19:46,755,483-46,755,485, GGC deleted; deleting any 3 consecutive bases within chr19:46,755,480-46,755,485 gives the same sequence; the position shown is the placement nearest the transcript's 3' end. VCF-style (leftmost placement, unchanged base first): chr19-46755479-TGGC-T. GRCh37 (hg19) VCF-style: chr19-47258736-TGGC-T.
Other names: c.30GGC[1], p.Ala13del (NM_001039885.3); short protein forms A13del.
Identifiers: ClinVar variation 1368772 (VCV001368772.8), dbSNP rs2122607119, ClinGen allele CA2580614918.

ClinVar aggregate classification (germline): Uncertain significance (1 of 4 stars; one submission).

Conditions:
Walker-Warburg congenital muscular dystrophy. Also called: Muscular dystrophy-dystroglycanopathy, type A; Walker-Warburg syndrome. Identifiers: Orphanet 899, MedGen C0265221, MONDO:0000171.

Submission:

Labcorp Genetics (formerly Invitae), Labcorp
Classification: Uncertain significance for Walker-Warburg congenital muscular dystrophy. Last evaluated: 2025-01-01. Review status: criteria provided, single submitter. Criteria: Invitae Variant Classification Sherloc (09022015). Collection method: clinical testing. Allele origin: germline.
Comment: This variant, c.33_35del, results in the deletion of 1 amino acid(s) of the FKRP protein (p.Ala13del), but otherwise preserves the integrity of the reading frame. This variant is not present in population databases (gnomAD no frequency). This variant has been observed in individual(s) with clinical features of FKRP-related conditions (internal data). In at least one individual the data is consistent with being in trans (on the opposite chromosome) from a pathogenic variant. Experimental studies and prediction algorithms are not available or were not evaluated, and the functional significance of this variant is currently unknown. In summary, the available evidence is currently insufficient to determine the role of this variant in disease. Therefore, it has been classified as a Variant of Uncertain Significance.